The following is an entry in ClinVar:

ClinVar aggregate classification (germline): Uncertain significance. Review status: criteria provided, multiple submitters, no conflicts (2 of 4 stars). 2 submissions from 2 submitters: Uncertain significance (2). Last evaluated 2024-08-28.

Allele frequency attached by ClinVar (database versions not stated): ExAC 0.00009; gnomAD exomes 0.00013; gnomAD 0.00024; TOPMed 0.00024; ESP Exome Variant Server 0.00038.
gnomAD v4.1: 219 of 1,613,978 alleles (0.014%); highest among the groups gnomAD compares: African/African-American, 0.06%; no homozygotes.

Submissions (2):

Labcorp Genetics (formerly Invitae), Labcorp
Classification: Uncertain significance. Last evaluated: 2024-08-28. Review status: criteria provided, single submitter. Criteria: Invitae Variant Classification Sherloc (09022015). Collection method: clinical testing. Allele origin: germline.
Comment: This sequence change replaces arginine, which is basic and polar, with cysteine, which is neutral and slightly polar, at codon 569 of the ERMARD protein (p.Arg569Cys). This variant is present in population databases (rs141740739, gnomAD 0.05%). This variant has not been reported in the literature in individuals affected with ERMARD-related conditions. ClinVar contains an entry for this variant (Variation ID: 2234158). An algorithm developed to predict the effect of missense changes on protein structure and function (PolyPhen-2) suggests that this variant is likely to be disruptive. In summary, the available evidence is currently insufficient to determine the role of this variant in disease. Therefore, it has been classified as a Variant of Uncertain Significance.

Ambry Genetics
Classification: Uncertain significance. Last evaluated: 2021-07-16. Review status: criteria provided, single submitter. Criteria: Ambry Variant Classification Scheme 2023. Collection method: clinical testing. Allele origin: germline.

NM_018341.3(ERMARD):c.1705C>T (p.Arg569Cys)

Gene: ERMARD (ER membrane associated RNA degradation; plus strand). Cytogenetic location: 6q27.
Variant type: single nucleotide variant.
Coding change: c.1705C>T on transcript NM_018341.3 (MANE Select); coding-DNA position 1705, C replaced by T.
Protein change: p.Arg569Cys; replaces arginine 569 with cysteine.
Molecular consequence: missense variant. On other transcripts: intron variant (2).
Genome position (GRCh38, 1-based): chr6:169,776,639, C>T. VCF-style: chr6-169776639-C-T. GRCh37 (hg19) VCF-style: chr6-170176735-C-T.
Other names: c.1327C>T, p.Arg443Cys (NM_001278532.2); c.1297C>T, p.Arg433Cys (NM_001410957.1); c.1598+228C>T (NM_001278531.2); c.1520+574C>T (NM_001278533.2); short protein forms R433C, R569C, R443C.
Identifiers: ClinVar variation 2234158 (VCV002234158.4), dbSNP rs141740739, ClinGen allele CA4106383.